The following is an entry in ClinVar:

ClinVar aggregate classification (germline): Likely pathogenic (1 of 4 stars; one submission).

Conditions:
Autosomal recessive limb-girdle muscular dystrophy type 2J (LGMDR10). Also called: Limb-girdle muscular dystrophy, type 2J; MUSCULAR DYSTROPHY, LIMB-GIRDLE, AUTOSOMAL RECESSIVE 10. Identifiers: Orphanet 140922, MedGen C1837342, MONDO:0012127, OMIM 608807.
Dilated cardiomyopathy 1G (CMD1G). Identifiers: Orphanet 154, MedGen C1858763, MONDO:0011400, OMIM 604145.

Submission:

Labcorp Genetics (formerly Invitae), Labcorp
Classification: Likely pathogenic for Dilated cardiomyopathy 1G; Autosomal recessive limb-girdle muscular dystrophy type 2J. Last evaluated: 2025-10-07. Review status: criteria provided, single submitter. Criteria: Invitae Variant Classification Sherloc (09022015). Collection method: clinical testing. Allele origin: germline.
Comment: This sequence change creates a premature translational stop signal (p.Val31782Glyfs*3) in the TTN gene. While this is not anticipated to result in nonsense mediated decay, it is expected to create a truncated TTN protein. This variant is not present in population databases (gnomAD no frequency). This variant has not been reported in the literature in individuals affected with TTN-related conditions. This variant is located in the A band of TTN (PMID: 25589632). Truncating variants in this region are significantly overrepresented in patients affected with dilated cardiomyopathy (PMID: 25589632). Truncating variants in this region have also been reported in individuals affected with autosomal recessive centronuclear myopathy (PMID: 23975875). In summary, the currently available evidence indicates that the variant is pathogenic, but additional data are needed to prove that conclusively. Therefore, this variant has been classified as Likely Pathogenic.

Literature cited by the submitters: PubMed 25589632; PubMed 23975875.

NM_001267550.2(TTN):c.95345_95348del (p.Val31782fs)

Genes: TTN (titin; minus strand), TTN-AS1 (TTN antisense RNA 1; plus strand). Cytogenetic location: 2q31.2.
Variant type: Deletion.
Coding change: c.95345_95348del on transcript NM_001267550.2 (MANE Select); coding-DNA positions 95345 to 95348, 4 bases deleted (TGAG; older notation c.95345_95348delTGAG).
Protein change: p.Val31782fs; shifts the reading frame from valine 31782.
Molecular consequence: frameshift variant.
Genome position (GRCh38, 1-based): chr2:178,545,888-178,545,891, CTCA deleted on the plus strand (TGAG on the coding strand, the reverse complement: TTN is on the minus strand); deleting any 4 consecutive bases within chr2:178,545,888-178,545,894 gives the same sequence; the c. name uses the placement nearest the transcript's 3' end. VCF-style (leftmost placement, unchanged base first): chr2-178545887-CCTCA-C. GRCh37 (hg19) VCF-style: chr2-179410614-CCTCA-C.
Other names: c.90422_90425del, p.Val30141fs (NM_001256850.1); c.68150_68153del, p.Val22717fs (NM_003319.4); c.87641_87644del, p.Val29214fs (NM_133378.4); c.68525_68528del, p.Val22842fs (NM_133432.3); c.68726_68729del, p.Val22909fs (NM_133437.4); short protein forms V22842fs, V30141fs, V31782fs, V22717fs, V22909fs, V29214fs.
Identifiers: ClinVar variation 4786341 (VCV004786341.1).
Genomic context (GRCh38, chr2:178,545,887, plus strand): 5'-GTTTCTGGCTACAATTGGCTCTGATTCAACAGGCACACCAGGGCCATATTTGTTTACTGC[CCTCA>C]CTCGGAATATGTACTCATTGTTCTTGATGAGCCTGGTAACGACATAGGATAGGGTTGGGC-3'